The following is an entry in ClinVar:

NM_001009944.3(PKD1):c.10720G>A (p.Gly3574Arg)

Genes: PKD1 (polycystin 1, transient receptor potential channel interacting; minus strand), PKD1-AS1 (PKD1 antisense RNA 1; plus strand). Cytogenetic location: 16p13.3.
Variant type: single nucleotide variant.
Coding change: c.10720G>A on transcript NM_001009944.3 (MANE Select); coding-DNA position 10720, G replaced by A.
Protein change: p.Gly3574Arg; replaces glycine 3574 with arginine.
Molecular consequence: missense variant.
Genome position (GRCh38, 1-based): chr16:2,093,912, C>T on the plus strand (G>A on the coding strand, the complement: PKD1 is on the minus strand). VCF-style: chr16-2093912-C-T. GRCh37 (hg19) VCF-style: chr16-2143913-C-T.
Other names: c.10717G>A, p.Gly3573Arg (NM_000296.4); short protein forms G3573R, G3574R.
Identifiers: ClinVar variation 3346999 (VCV003346999.1).

ClinVar aggregate classification (germline): Uncertain significance (0 of 4 stars; one submission).

Conditions:
PKD1-related disorder. Also called: PKD1-related condition.

Submission:

PreventionGenetics, part of Exact Sciences
Classification: Uncertain significance for PKD1-related condition. Last evaluated: 2024-05-03. Review status: no assertion criteria provided. Collection method: clinical testing. Allele origin: germline.
Comment: The PKD1 c.10720G>A variant is predicted to result in the amino acid substitution p.Gly3574Arg. To our knowledge, this variant has not been reported in the literature or in a large population database, indicating this variant is rare. At this time, the clinical significance of this variant is uncertain due to the absence of conclusive functional and genetic evidence.